The following is an entry in ClinVar:

NM_000466.3(PEX1):c.1842del (p.Glu615fs)

Gene: PEX1 (peroxisomal biogenesis factor 1; minus strand). Cytogenetic location: 7q21.2.
Variant type: Deletion.
Coding change: c.1842del on transcript NM_000466.3 (MANE Select); coding-DNA position 1842, one base deleted (A; older notation c.1842delA).
Protein change: p.Glu615fs; shifts the reading frame from glutamic acid 615.
Molecular consequence: frameshift variant.
Genome position (GRCh38, 1-based): chr7:92,506,306, T deleted on the plus strand (A on the coding strand, the reverse complement: PEX1 is on the minus strand); the first of 3 consecutive T bases (chr7:92,506,306-92,506,308); deleting any one gives the same sequence. VCF-style (leftmost placement, unchanged base first): chr7-92506305-CT-C. GRCh37 (hg19) VCF-style: chr7-92135619-CT-C.
Other names: c.1842del (NM_000466.2); c.1842del, p.Glu615fs (NM_001282677.2); c.1218del, p.Glu407fs (NM_001282678.2); short protein forms E407fs, E615fs.
Identifiers: ClinVar variation 371703 (VCV000371703.16), dbSNP rs267608176, ClinGen allele CA4341278.

ClinVar aggregate classification (germline): Pathogenic/Likely pathogenic. Review status: criteria provided, multiple submitters, no conflicts (2 of 4 stars). 9 submissions from 8 submitters: Pathogenic (6); Likely pathogenic (1). 2 of the submissions do not count toward it. Last evaluated 2025-09-04.

Conditions:
Zellweger spectrum disorders (ZS). Also called: Zellweger syndrome; Zellweger Spectrum Disorder (ZSD); Zellweger Spectrum Disorder; Zellweger Spectrum. Identifiers: Orphanet 912, MedGen C0043459, MONDO:0019609.
Heimler syndrome 1 (HMLR1). Also called: PEROXISOME BIOGENESIS DISORDER 1C. Identifiers: Orphanet 3220, MedGen C4551980, OMIM 234580, MONDO:0024544.
Peroxisome biogenesis disorder. Identifiers: Orphanet 79189, MedGen C1832200, MONDO:0019234. Disease mechanism: loss of function.
PEX1-related disorder. Also called: PEX1-related condition.
Peroxisome biogenesis disorder 1B (PBD1B). Also called: PEROXISOME BIOGENESIS DISORDER (NEONATAL ADRENOLEUKODYSTROPHY/INFANTILE REFSUM DISEASE); INFANTILE PHYTANIC ACID STORAGE DISEASE; PEROXISOME BIOGENESIS DISORDER (NALD/IRD); ADRENOLEUKODYSTROPHY, AUTOSOMAL NEONATAL; Refsum disease, infantile form; Infantile Refsum disease. Identifiers: Orphanet 44, MedGen C0282527, MONDO:0011101, OMIM 601539.
Peroxisome biogenesis disorder 1A (Zellweger) (PBD1A). Also called: Zellweger leukodystrophy; Peroxisome biogenesis disorder 1a. Identifiers: MedGen C4721541, MONDO:0008953, OMIM 214100.

Submissions (9):

Natera, Inc.
Classification: Pathogenic for Zellweger syndrome. Last evaluated: 2025-09-04. Review status: criteria provided, single submitter. Criteria: Natera Variant Classification Schema (03/2026). Collection method: clinical testing. Allele origin: germline.
Comment: The c.1842delA variant in PEX1 is a frameshift variant predicted to shift the reading frame beginning at codon 615 and leads to a stop codon 30 codons downstream. This variant is expected to result in nonsense mediated decay, truncation, or a dysfunctional protein product. This variant is rare in the general population with a frequency below the threshold expected for the associated phenotype(s). This variant has been observed in one or more individuals affected with the associated recessive disease, as either homozygous or compound heterozygous with a second variant (PMID: 19105186). Given the available evidence, this variant is classified as Pathogenic.

Labcorp Genetics (formerly Invitae), Labcorp
Classification: Pathogenic for Zellweger spectrum disorders. Last evaluated: 2024-10-13. Review status: criteria provided, single submitter. Criteria: Invitae Variant Classification Sherloc (09022015). Collection method: clinical testing. Allele origin: germline.
Comment: This sequence change creates a premature translational stop signal (p.Glu615Lysfs*30) in the PEX1 gene. It is expected to result in an absent or disrupted protein product. Loss-of-function variants in PEX1 are known to be pathogenic (PMID: 21031596, 26387595, 31831025). This variant is present in population databases (rs267608176, gnomAD 0.009%). This premature translational stop signal has been observed in individual(s) with clinical features of Zellweger spectrum disorder (PMID: 19105186, 21031596). This variant is also known as c.1840delA. ClinVar contains an entry for this variant (Variation ID: 371703). Algorithms developed to predict the effect of sequence changes on RNA splicing suggest that this variant may disrupt the consensus splice site. For these reasons, this variant has been classified as Pathogenic.

GeneDx
Classification: Pathogenic. Last evaluated: 2024-03-25. Review status: criteria provided, single submitter. Criteria: GeneDx Variant Classification Process June 2021. Collection method: clinical testing. Allele origin: germline. Affected: yes.
Comment: Not observed at significant frequency in large population cohorts (gnomAD); Frameshift variant predicted to result in protein truncation in a gene for which loss of function is a known mechanism of disease; This variant is associated with the following publications: (PMID: 31589614, 36293220, 35379322, 19105186)

Baylor Genetics
Classification: Pathogenic for Heimler syndrome 1. Last evaluated: 2024-01-09. Review status: criteria provided, single submitter. Criteria: ACMG Guidelines, 2015. Collection method: clinical testing. Allele origin: unknown.

PreventionGenetics, part of Exact Sciences
Classification: Pathogenic for PEX1-related condition. Last evaluated: 2023-08-10. Review status: criteria provided, single submitter. Criteria: ACMG Guidelines, 2015. Collection method: clinical testing. Allele origin: germline.
Comment: The PEX1 c.1842delA variant is predicted to result in a frameshift and premature protein termination (p.Glu615Lysfs*30). This variant has been reported in individuals with clinical features of PEX1-related disorders (Reported as c.1840delA in Yik et al 2009. PubMed ID: 19105186; Yépez VA et al 2022. PubMed ID: 35379322). This variant is reported in 0.0087% of alleles in individuals of Latino descent in gnomAD. Frameshift variants in PEX1 are expected to be pathogenic. This variant is interpreted as pathogenic.

Women's Health and Genetics/Laboratory Corporation of America, LabCorp
Classification: Pathogenic for Peroxisome biogenesis disorders, Zellweger syndrome spectrum. Last evaluated: 2019-10-25. Review status: criteria provided, single submitter. Criteria: LabCorp Variant Classification Summary - May 2015. Collection method: clinical testing. Allele origin: germline.
Comment: Variant summary: PEX1 c.1842delA (p.Glu615LysfsX30) results in a premature termination codon, predicted to cause a truncation of the encoded protein or absence of the protein due to nonsense mediated decay, which are commonly known mechanisms for disease. Truncations downstream of this position have been classified as pathogenic by our laboratory. The variant allele was found at a frequency of 1.6e-05 in 251282 control chromosomes. c.1842delA has been reported in the literature in individuals affected with biochemically confirmed diagnosis of Zellweger Syndrome (Yik_2009, Ebberink_2010). These data indicate that the variant is likely to be associated with disease. To our knowledge, no experimental evidence demonstrating an impact on protein function has been reported. One clinical diagnostic laboratory has submitted clinical-significance assessments for this variant to ClinVar after 2014 without evidence for independent evaluation and classified the variant as likely pathogenic. Based on the evidence outlined above, the variant was classified as pathogenic.

Blueprint Genetics
Classification: Likely pathogenic for PEX1-related disorders. Last evaluated: 2019-09-09. Review status: criteria provided, single submitter. Criteria: ACMG Guidelines, 2015. Collection method: clinical testing. Allele origin: germline. Affected: yes. Observed: 1 variant allele.

Counsyl
Classification: Likely pathogenic for Peroxisome biogenesis disorder 1A (Zellweger). Last evaluated: 2016-01-26. Review status: no assertion criteria provided. Collection method: clinical testing. Allele origin: unknown. Not counted in ClinVar's aggregate classification.

Counsyl
Classification: Likely pathogenic for Peroxisome biogenesis disorder 1B. Last evaluated: 2016-01-26. Review status: no assertion criteria provided. Collection method: clinical testing. Allele origin: unknown. Not counted in ClinVar's aggregate classification.

Literature cited by the submitters: PubMed 19105186 (cited by 4 submitters); PubMed 21031596 (cited by 3 submitters); PubMed 26387595 (cited by Labcorp Genetics (formerly Invitae), Labcorp); PubMed 31831025 (cited by Labcorp Genetics (formerly Invitae), Labcorp).